The following is an entry in ClinVar:

NM_000827.4(GRIA1):c.1453-4del

Gene: GRIA1 (glutamate ionotropic receptor AMPA type subunit 1; plus strand). Cytogenetic location: 5q33.2.
Variant type: Deletion.
Coding change: c.1453-4del on transcript NM_000827.4 (MANE Select); 4 bases into the intron before coding-DNA position 1453, one base deleted (T; older notation c.1453-4delT).
Molecular consequence: intron variant.
Genome position (GRCh38, 1-based): chr5:153,705,693, T deleted; the last of 31 consecutive T bases (chr5:153,705,663-153,705,693); deleting any one gives the same sequence. VCF-style (leftmost placement, unchanged base first): chr5-153705662-AT-A. GRCh37 (hg19) VCF-style: chr5-153085222-AT-A.
Other names: c.1480-4del (NM_001364166.2); c.1246-4del (NM_001364167.2, NM_001258023.1); c.1168-4del (NM_001258020.2); c.1453-4del (NM_001114183.2); c.1285-4del (NM_001364165.2); c.1213-4del (NM_001258019.2); c.1483-4del (NM_001258021.2, NM_001258022.2).
Identifiers: ClinVar variation 4983841 (VCV004983841.1).

ClinVar aggregate classification (germline): Likely benign (1 of 4 stars; one submission).

Conditions:
GRIA1-related disorder. Also called: GRIA1-related condition.

Submission:

PreventionGenetics, part of Exact Sciences
Classification: Likely benign for GRIA1-related condition. Last evaluated: 2024-11-20. Review status: criteria provided, single submitter. Criteria: ACMG Guidelines, 2015. Collection method: clinical testing. Allele origin: germline.
Comment: This variant is classified as likely benign based on ACMG/AMP sequence variant interpretation guidelines (Richards et al. 2015 PMID: 25741868, with internal and published modifications).